The following is an entry in ClinVar:

ClinVar aggregate classification (germline): Likely benign. Review status: criteria provided, multiple submitters, no conflicts (2 of 4 stars). 3 submissions from 3 submitters: Likely benign (3). Last evaluated 2025-12-19.

Allele frequency attached by ClinVar (database versions not stated): gnomAD exomes 0.00009; TOPMed 0.00008; gnomAD 0.00010.
gnomAD v4.1: 124 of 1,252,068 alleles (0.0099%); highest among the groups gnomAD compares: Non-Finnish European, 0.012%; no homozygotes.

Submissions (3):

Labcorp Genetics (formerly Invitae), Labcorp
Classification: Likely benign. Last evaluated: 2025-12-19. Review status: criteria provided, single submitter. Criteria: Invitae Variant Classification Sherloc (09022015). Collection method: clinical testing. Allele origin: germline.

Blueprint Genetics
Classification: Likely benign. Last evaluated: 2024-10-28. Review status: criteria provided, single submitter. Criteria: ACMG Guidelines, 2015. Collection method: clinical testing. Allele origin: germline.

CeGaT Center for Human Genetics Tuebingen
Classification: Likely benign. Last evaluated: 2022-11-01. Review status: criteria provided, single submitter. Criteria: CeGaT Center For Human Genetics Tuebingen Variant Classification Criteria Version 2. Collection method: clinical testing. Allele origin: germline. Affected: yes. Observed: 1 variant allele.
Comment: PACS2: BP4, BP7

NM_001100913.3(PACS2):c.70C>T (p.Leu24=)

Genes: BRF1 (BRF1 general transcription factor IIIB subunit; minus strand), PACS2 (phosphofurin acidic cluster sorting protein 2; plus strand), LOC130056677 (ATAC-STARR-seq lymphoblastoid silent region 6228; plus strand). Cytogenetic location: 14q32.33.
Variant type: single nucleotide variant.
Coding change: c.70C>T on transcript NM_001100913.3 (MANE Select); coding-DNA position 70, C replaced by T.
Protein change: p.Leu24=; no amino-acid change (leucine 24 retained).
Molecular consequence: synonymous variant. On other transcripts: intron variant (4).
Genome position (GRCh38, 1-based): chr14:105,314,988, C>T. VCF-style: chr14-105314988-C-T. GRCh37 (hg19) VCF-style: chr14-105781325-C-T.
Other names: c.70C>T, p.Leu24= (NM_015197.4); c.-162+334G>A (NM_001440451.1, NM_001242787.2, NM_001242786.2); c.-83+14009C>T (NM_001243127.3).
Identifiers: ClinVar variation 1535271 (VCV001535271.31), dbSNP rs1011666716, ClinGen allele CA266519708.